The following is an entry in ClinVar:

ClinVar aggregate classification (germline): Uncertain significance (1 of 4 stars; one submission).

Conditions:
Duchenne muscular dystrophy (DMD). Also called: Duchenne Muscular Dystrophy (DMD); MUSCULAR DYSTROPHY, PSEUDOHYPERTROPHIC PROGRESSIVE, DUCHENNE TYPE. Identifiers: Orphanet 98896, MedGen C0013264, MONDO:0010679, OMIM 310200.

Submission:

Labcorp Genetics (formerly Invitae), Labcorp
Classification: Uncertain significance for Duchenne muscular dystrophy. Last evaluated: 2023-09-28. Review status: criteria provided, single submitter. Criteria: Invitae Variant Classification Sherloc (09022015). Collection method: clinical testing. Allele origin: germline.
Comment: This variant results in a copy number gain of the genomic region encompassing exon(s) 19-29 of the DMD gene. While the exact position of this variant cannot be determined from the data, sub-genic copy number gains are generally in tandem (PMID: 25640679). This variant is predicted to be in-frame, and likely preserves the integrity of the reading frame. A similar copy number variant has been observed in individual(s) with Becker muscular dystrophy (PMID: 31705731). Experimental studies and prediction algorithms are not available or were not evaluated, and the functional significance of this variant is currently unknown. In summary, the available evidence is currently insufficient to determine the role of this variant in disease. Therefore, it has been classified as a Variant of Uncertain Significance.

Literature cited by the submitters: PubMed 25640679; PubMed 31705731.

NC_000023.10:g.(?_32456338)_(32519979_?)dup

Gene: DMD (dystrophin; minus strand). Cytogenetic location: Xp21.1.
Variant type: Duplication.
Identifiers: ClinVar variation 2424958 (VCV002424958.5).